The following is an entry in ClinVar:

ClinVar aggregate classification (germline): Likely pathogenic (1 of 4 stars; one submission).

Submission:

Dasa
Classification: Likely pathogenic. Last evaluated: 2025-12-29. Review status: criteria provided, single submitter. Criteria: DASA Assertion Criteria. Collection method: clinical testing. Allele origin: germline.
Comment: NM_000088.4(COL1A1):c.165del (p.Glu56Serfs*18) is a frameshift variant in COL1A1 predicted to alter the reading frame and introduce a premature termination codon and is predicted to result in an absent or altered protein product. Loss of function is an established disease mechanism for COL1A1 (PMID: 9067755; PMID: 9016532). Also, this variant is absent from population databases. Based on the currently available evidence, this variant is classified as likely pathogenic.

Literature cited by the submitters: PubMed 9067755; PubMed 9016532.

NM_000088.4(COL1A1):c.165del (p.Glu56fs)

Gene: COL1A1 (collagen type I alpha 1 chain; minus strand). Cytogenetic location: 17q21.33.
Variant type: Deletion.
Coding change: c.165del on transcript NM_000088.4 (MANE Select); coding-DNA position 165, one base deleted (C; older notation c.165delC).
Protein change: p.Glu56fs; shifts the reading frame from glutamic acid 56.
Molecular consequence: frameshift variant.
Genome position (GRCh38, 1-based): chr17:50,199,886, G deleted on the plus strand (C on the coding strand, the reverse complement: COL1A1 is on the minus strand); the first of 3 consecutive G bases (chr17:50,199,886-50,199,888); deleting any one gives the same sequence. VCF-style (leftmost placement, unchanged base first): chr17-50199885-CG-C. GRCh37 (hg19) VCF-style: chr17-48277246-CG-C.
Other names: short protein forms E56fs.
Identifiers: ClinVar variation 4880636 (VCV004880636.2).